The following is an entry in ClinVar:

ClinVar aggregate classification (germline): Uncertain significance. Review status: criteria provided, multiple submitters, no conflicts (2 of 4 stars). 5 submissions from 5 submitters: Uncertain significance (5). Last evaluated 2026-01-22.

Conditions:
CYP7B1-related disorder. Also called: CYP7B1-related condition.
Spastic paraplegia. Identifiers: MedGen C0037772, HP:0001258.
Hereditary spastic paraplegia. Also called: Familial spastic paraparesis. Identifiers: Orphanet 685, MedGen C0037773, MONDO:0019064. Disease mechanism: loss of function.

Allele frequency attached by ClinVar (database versions not stated): gnomAD 0.00010 and 0.00011; gnomAD exomes 0.00010 and 0.00012; TOPMed 0.00010; ExAC 0.00014; ESP Exome Variant Server 0.00023.
gnomAD v4.1: 154 of 1,612,714 alleles (0.0095%); highest among the groups gnomAD compares: Non-Finnish European, 0.013%; no homozygotes.

Submissions (5):

PreventionGenetics, part of Exact Sciences
Classification: Uncertain significance for CYP7B1-related condition. Last evaluated: 2026-01-22. Review status: criteria provided, single submitter. Criteria: ACMG Guidelines, 2015. Collection method: clinical testing. Allele origin: germline.
Comment: The CYP7B1 c.850+5G>C variant is predicted to interfere with splicing. This variant is predicted to impact splicing based on splicing prediction programs (SpliceAI, Jaganathan K, et al. 2019. PubMed ID: 30661751). However, the use of computer prediction programs is not equivalent to functional evidence. To our knowledge, this variant has not been reported in the literature. This variant is reported in 0.025% of alleles in individuals of European (Non-Finnish) descent in gnomAD. At this time, the clinical significance of this variant is uncertain due to the absence of conclusive functional and genetic evidence.

Mayo Clinic Laboratories, Mayo Clinic
Classification: Uncertain significance. Last evaluated: 2025-10-30. Review status: criteria provided, single submitter. Criteria: ACMG Guidelines, 2015. Collection method: clinical testing. Allele origin: germline. Observed: 1 variant allele.
Comment: PM2_supporting

Labcorp Genetics (formerly Invitae), Labcorp
Classification: Uncertain significance for Spastic paraplegia. Last evaluated: 2024-12-19. Review status: criteria provided, single submitter. Criteria: Invitae Variant Classification Sherloc (09022015). Collection method: clinical testing. Allele origin: germline.
Comment: This sequence change falls in intron 3 of the CYP7B1 gene. It does not directly change the encoded amino acid sequence of the CYP7B1 protein. It affects a nucleotide within the consensus splice site. This variant is present in population databases (rs202155727, gnomAD 0.03%). This variant has not been reported in the literature in individuals affected with CYP7B1-related conditions. ClinVar contains an entry for this variant (Variation ID: 452800). Variants that disrupt the consensus splice site are a relatively common cause of aberrant splicing (PMID: 17576681, 9536098). Algorithms developed to predict the effect of sequence changes on RNA splicing suggest that this variant may disrupt the consensus splice site. In summary, the available evidence is currently insufficient to determine the role of this variant in disease. Therefore, it has been classified as a Variant of Uncertain Significance.

Genome Diagnostics Laboratory, The Hospital for Sick Children
Classification: Uncertain significance for Hereditary spastic paraplegia. Last evaluated: 2019-08-01. Review status: criteria provided, single submitter. Criteria: ACMG Guidelines, 2015. Collection method: clinical testing. Allele origin: germline. Affected: yes.

GeneDx
Classification: Uncertain significance. Last evaluated: 2017-10-25. Review status: criteria provided, single submitter. Criteria: GeneDx Variant Classification (06012015). Collection method: clinical testing. Allele origin: germline. Affected: yes.
Comment: A variant of uncertain significance has been identified in the CYP7B1 gene. The c.850+5 G>C variant has not been published as a pathogenic variant, nor has it been reported as a benign variant to our knowledge. The c.850+5 G>C variant is observed in 33/125006 (0.03%) alleles from individuals of European background, in large population cohorts (Lek et al., 2016). This substitution occurs at a position that is conserved in mammals. However, several in-silico splice prediction models predict that c.850+5 G>C does not impact gene splicing. In the absence of RNA/functional studies, the actual effect of this sequence change in this individual is unknown. Therefore, based on the currently available information, it is unclear whether this variant is a pathogenic variant or a rare benign variant.

Literature cited by the submitters: PubMed 17576681 (cited by Labcorp Genetics (formerly Invitae), Labcorp); PubMed 9536098 (cited by Labcorp Genetics (formerly Invitae), Labcorp).

NM_004820.5(CYP7B1):c.850+5G>C

Gene: CYP7B1 (cytochrome P450 family 7 subfamily B member 1; minus strand). Cytogenetic location: 8q12.3.
Variant type: single nucleotide variant.
Coding change: c.850+5G>C on transcript NM_004820.5 (MANE Select); 5 bases into the intron after coding-DNA position 850, G replaced by C.
Molecular consequence: intron variant.
Genome position (GRCh38, 1-based): chr8:64,615,686, C>G on the plus strand (G>C on the coding strand, the complement: CYP7B1 is on the minus strand). VCF-style: chr8-64615686-C-G. GRCh37 (hg19) VCF-style: chr8-65528243-C-G.
Other names: c.850+5G>C (NM_001324112.2).
Identifiers: ClinVar variation 452800 (VCV000452800.13), dbSNP rs202155727, ClinGen allele CA4764140.